The following is an entry in ClinVar:

NM_006005.3(WFS1):c.1236C>T (p.Val412=)

Gene: WFS1 (wolframin ER transmembrane glycoprotein; plus strand). Cytogenetic location: 4p16.1.
Variant type: single nucleotide variant.
Coding change: c.1236C>T on transcript NM_006005.3 (MANE Select); coding-DNA position 1236, C replaced by T.
Protein change: p.Val412=; no amino-acid change (valine 412 retained).
Molecular consequence: synonymous variant.
Genome position (GRCh38, 1-based): chr4:6,301,031, C>T. VCF-style: chr4-6301031-C-T. GRCh37 (hg19) VCF-style: chr4-6302758-C-T.
Other names: c.1236C>T, p.Val412= (NM_001145853.1).
Identifiers: ClinVar variation 666780 (VCV000666780.12), dbSNP rs753290200, ClinGen allele CA2839278.
Genomic context (GRCh38, chr4:6,301,031, plus strand): 5'-GGCCGAGGTCAACTTCGGCTGGAACCACCTGGAGCCCTATGCCCATTTCCTGCTCTCTGT[C>T]TTCTTCGTCATCTTCTCCTTCCCCATCGCCAGCAAGGACTGCATCCCCTGCTCGGAGCTG-3'
Protein context (NP_005996.2, residues 402-422): LEPYAHFLLS[Val412=]FFVIFSFPIA

ClinVar aggregate classification (germline): Benign/Likely benign. Review status: criteria provided, multiple submitters, no conflicts (2 of 4 stars). 4 submissions from 4 submitters: Benign (1); Likely benign (3). Last evaluated 2024-11-19.

Conditions:
Wolfram syndrome 1 (WFS1). Identifiers: Orphanet 3463, MedGen C4551693, MONDO:0009101, OMIM 222300.

Allele frequency attached by ClinVar (database versions not stated): TOPMed below 0.00001; gnomAD 0.00001; ExAC 0.00002; gnomAD exomes 0.00002 and 0.00003.
gnomAD v4.1: 33 of 1,614,158 alleles (0.002%); highest among the groups gnomAD compares: South Asian, 0.03%; no homozygotes.

Submissions (4):

Blueprint Genetics
Classification: Likely benign. Last evaluated: 2024-11-19. Review status: criteria provided, single submitter. Criteria: ACMG Guidelines, 2015. Collection method: clinical testing. Allele origin: germline.

Labcorp Genetics (formerly Invitae), Labcorp
Classification: Likely benign. Last evaluated: 2022-11-04. Review status: criteria provided, single submitter. Criteria: Invitae Variant Classification Sherloc (09022015). Collection method: clinical testing. Allele origin: germline.

Laboratory for Molecular Medicine, Mass General Brigham Personalized Medicine
Classification: Likely benign. Last evaluated: 2017-08-23. Review status: criteria provided, single submitter. Criteria: LMM Criteria. Collection method: clinical testing. Allele origin: germline. Observed: 1 variant allele.
Comment: p.Val412Val in exon 8 of WFS1: This variant is not expected to have clinical sig nificance because it does not alter an amino acid residue and is not located wit hin the splice consensus sequence. It has been identified in 0.02% (3/16512) of South Asian chromosomes by the Exome Aggregation Consortium (ExAC; dbSNP rs753290200).

Clinical Genomics, Uppaluri K&H Personalized Medicine Clinic
Classification: Benign for Wolfram syndrome 1. Review status: criteria provided, single submitter. Criteria: K & H Uppaluri Personalized Medicine Clinic Variant Classification & Assertion Criteria_Updated V.1. Collection method: research. Allele origin: unknown. Inheritance: Autosomal recessive inheritance.
Comment: Potent mutations in WFS1 gene are associated with Wolfram's syndrome, an autosomal recessive condition, which cause diabetes mellitus, diabetes insipidus, deafness and optic atrophy.However no sufficient evidence is found to ascertain the role of this particular variant rs753290200 in Wolfram's syndrome yet.

Literature cited by the submitters: PubMed 20738327 (cited by Clinical Genomics, Uppaluri K&H Personalized Medicine Clinic); PubMed 33879153 (cited by Clinical Genomics, Uppaluri K&H Personalized Medicine Clinic); PubMed 12955714 (cited by Clinical Genomics, Uppaluri K&H Personalized Medicine Clinic); PubMed 18060660 (cited by Clinical Genomics, Uppaluri K&H Personalized Medicine Clinic); PubMed 20301750 (cited by Clinical Genomics, Uppaluri K&H Personalized Medicine Clinic); PubMed 17603484 (cited by Clinical Genomics, Uppaluri K&H Personalized Medicine Clinic).